The following is an entry in ClinVar:

ClinVar aggregate classification (germline): Uncertain significance (1 of 4 stars; one submission).

Conditions:
Joubert syndrome. Also called: JOUBERT-BOLTSHAUSER SYNDROME; Familial aplasia of the vermis. Identifiers: Orphanet 475, MedGen C5979921, MONDO:0018772.
Meckel-Gruber syndrome. Also called: DYSENCEPHALIA SPLANCHNOCYSTICA; GRUBER SYNDROME; Dysencephalia splachnocystica. Identifiers: Orphanet 564, MedGen C0265215, MONDO:0018921.

Submission:

Labcorp Genetics (formerly Invitae), Labcorp
Classification: Uncertain significance for Joubert syndrome; Meckel-Gruber syndrome. Last evaluated: 2021-09-24. Review status: criteria provided, single submitter. Criteria: Invitae Variant Classification Sherloc (09022015). Collection method: clinical testing. Allele origin: germline.
Comment: This sequence change replaces valine with alanine at codon 1578 of the CC2D2A protein (p.Val1578Ala). The valine residue is highly conserved and there is a small physicochemical difference between valine and alanine. This variant is not present in population databases (ExAC no frequency). This variant has not been reported in the literature in individuals affected with CC2D2A-related conditions. Advanced modeling of protein sequence and biophysical properties (such as structural, functional, and spatial information, amino acid conservation, physicochemical variation, residue mobility, and thermodynamic stability) performed at Invitae indicates that this missense variant is expected to disrupt CC2D2A protein function. In summary, the available evidence is currently insufficient to determine the role of this variant in disease. Therefore, it has been classified as a Variant of Uncertain Significance.

NM_001378615.1(CC2D2A):c.4733T>C (p.Val1578Ala)

Genes: CC2D2A (coiled-coil and C2 domain containing 2A; plus strand), FBXL5 (F-box and leucine rich repeat protein 5; minus strand). Cytogenetic location: 4p15.32.
Variant type: single nucleotide variant.
Coding change: c.4733T>C on transcript NM_001378615.1 (MANE Select); coding-DNA position 4733, T replaced by C.
Protein change: p.Val1578Ala; replaces valine 1578 with alanine.
Molecular consequence: missense variant.
Genome position (GRCh38, 1-based): chr4:15,601,295, T>C. VCF-style: chr4-15601295-T-C. GRCh37 (hg19) VCF-style: chr4-15602918-T-C.
Other names: c.4733T>C, p.Val1578Ala (NM_001080522.2); c.4586T>C, p.Val1529Ala (NM_001378617.1); short protein forms V1529A, V1578A.
Identifiers: ClinVar variation 1479513 (VCV001479513.3), dbSNP rs2148497423, ClinGen allele CA356436244.